The following is an entry in ClinVar:

NM_002734.5(PRKAR1A):c.-15C>T

Gene: PRKAR1A (protein kinase cAMP-dependent type I regulatory subunit alpha; plus strand). Cytogenetic location: 17q24.2.
Variant type: single nucleotide variant.
Coding change: c.-15C>T on transcript NM_002734.5 (MANE Select); 15 bases upstream of the start codon, C replaced by T.
Molecular consequence: 5 prime UTR variant. On other transcripts: intron variant (3).
Genome position (GRCh38, 1-based): chr17:68,512,540, C>T. VCF-style: chr17-68512540-C-T. GRCh37 (hg19) VCF-style: chr17-66508681-C-T.
Other names: c.-148C>T (NM_001276289.2); c.-46C>T (NM_212472.2); c.-6-2854C>T (NM_001278433.2); c.-140+398C>T (NM_001369389.1); c.-7+398C>T (NM_212471.3).
Identifiers: ClinVar variation 1396471 (VCV001396471.6), dbSNP rs1231074508, ClinGen allele CA2573154850.

ClinVar aggregate classification (germline): Uncertain significance (1 of 4 stars; one submission).

Conditions:
Carney complex, type 1 (CNC1). Also called: CARNEY COMPLEX, TYPE I; CARNEY MYXOMA-ENDOCRINE COMPLEX. Identifiers: Orphanet 1359, MedGen C2607929, MONDO:0008057, OMIM 160980.

Submission:

Labcorp Genetics (formerly Invitae), Labcorp
Classification: Uncertain significance for Carney complex, type 1. Last evaluated: 2023-01-30. Review status: criteria provided, single submitter. Criteria: Invitae Variant Classification Sherloc (09022015). Collection method: clinical testing. Allele origin: germline.
Comment: In summary, the available evidence is currently insufficient to determine the role of this variant in disease. Therefore, it has been classified as a Variant of Uncertain Significance. This variant occurs in a non-coding region of the PRKAR1A gene. It does not change the encoded amino acid sequence of the PRKAR1A protein. This variant is not present in population databases (gnomAD no frequency). This variant has not been reported in the literature in individuals affected with PRKAR1A-related conditions. ClinVar contains an entry for this variant (Variation ID: 1396471).